The following is an entry in ClinVar:

ClinVar aggregate classification (germline): Pathogenic/Likely pathogenic. Review status: criteria provided, multiple submitters, no conflicts (2 of 4 stars). 9 submissions from 8 submitters: Pathogenic (4); Likely pathogenic (2). 3 of the submissions do not count toward it. Last evaluated 2024-12-12.

Conditions:
Hereditary hyperinsulinism.
Neonatal diabetes mellitus (NDM). Identifiers: Orphanet 224, MedGen C0158981, MONDO:0016391.
Maturity-onset diabetes of the young (MODY). Also called: Maturity onset diabetes mellitus in young. Identifiers: Orphanet 552, MedGen C0342276, MONDO:0018911, HP:0004904.
Hyperinsulinemic hypoglycemia, familial, 1 (HHF1). Also called: Persistent hyperinsulinemic hypoglycemia of infancy; Persistent Hyperinsulinemia Hypoglycemia of Infancy; HYPERINSULINISM, FAMILIAL, WITH PANCREATIC NESIDIOBLASTOSIS; HYPOGLYCEMIA, HYPERINSULINEMIC, OF INFANCY; NESIDIOBLASTOSIS OF PANCREAS. Identifiers: Orphanet 276575, Orphanet 276598, MedGen C2931832, MONDO:0009734, OMIM 256450.
Type 2 diabetes mellitus. Also called: Type II diabetes mellitus. Identifiers: MedGen C0011860, MeSH D003924, MONDO:0005148, OMIM 125853, HP:0005978.

Allele frequency attached by ClinVar (database versions not stated): gnomAD exomes below 0.00001; TOPMed below 0.00001; gnomAD 0.00001.

Submissions (9):

Natera, Inc.
Classification: Likely pathogenic for Hereditary hyperinsulinism. Last evaluated: 2024-12-12. Review status: criteria provided, single submitter. Criteria: Natera Variant Classification Schema (03/2026). Collection method: clinical testing. Allele origin: germline.
Comment: The c.2202del variant in ABCC8 is a frameshift variant predicted to shift the reading frame beginning at codon 736 and leads to a stop codon 12 codons downstream. This variant is expected to result in nonsense mediated decay, truncation, or a dysfunctional protein product. This variant is rare in the general population with a frequency below the threshold expected for the associated phenotype(s). Given the available evidence, this variant is classified as Likely Pathogenic.

Labcorp Genetics (formerly Invitae), Labcorp
Classification: Pathogenic. Last evaluated: 2023-06-16. Review status: criteria provided, single submitter. Criteria: Invitae Variant Classification Sherloc (09022015). Collection method: clinical testing. Allele origin: germline.
Comment: This premature translational stop signal has been observed in individual(s) with autosomal recessive congenital hyperinsulinism (PMID: 23345197). ClinVar contains an entry for this variant (Variation ID: 555310). For these reasons, this variant has been classified as Pathogenic. This variant is not present in population databases (gnomAD no frequency). This sequence change creates a premature translational stop signal (p.Ala736Leufs*12) in the ABCC8 gene. It is expected to result in an absent or disrupted protein product. Loss-of-function variants in ABCC8 are known to be pathogenic (PMID: 20685672, 23345197).

GeneDx
Classification: Pathogenic. Last evaluated: 2023-05-11. Review status: criteria provided, single submitter. Criteria: GeneDx Variant Classification Process June 2021. Collection method: clinical testing. Allele origin: germline. Affected: yes.
Comment: Frameshift variant predicted to result in protein truncation or nonsense mediated decay in a gene for which loss of function is a known mechanism of disease; Not observed at significant frequency in large population cohorts (gnomAD); This variant is associated with the following publications: (PMID: 36208030, 21989597, 32027066, 18981553, 32792356, 20685672, 27538677, 16613899, 16885549, 18025408, 23345197)

Baylor Genetics
Classification: Pathogenic for Type 2 diabetes mellitus. Last evaluated: 2023-01-03. Review status: criteria provided, single submitter. Criteria: ACMG Guidelines, 2015. Collection method: clinical testing. Allele origin: unknown.

Women's Health and Genetics/Laboratory Corporation of America, LabCorp
Classification: Likely pathogenic for Hyperinsulinemic hypoglycemia, familial, 1. Last evaluated: 2019-04-05. Review status: criteria provided, single submitter. Criteria: LabCorp Variant Classification Summary - May 2015. Collection method: clinical testing. Allele origin: germline.
Comment: Variant summary: ABCC8 c.2202delA (p.Ala736LeufsX12) results in a premature termination codon, predicted to cause a truncation of the encoded protein or absence of the protein due to nonsense mediated decay, which are commonly known mechanisms for disease. Truncations downstream of this position have been classified as pathogenic by our laboratory (eg.c.2506C>T (p.Arg836X), c.3574delG (p.Asp1192fsX16)). The variant was absent in 246134 control chromosomes (gnomAD) but has been reported in the literature in an individual affected with Congenital Hyperinsulinism (Kapoor_2013). This data indicates that the variant may be associated with disease. To our knowledge, no experimental evidence demonstrating an impact on protein function has been reported. One clinical diagnostic laboratory has submitted clinical-significance assessments for this variant to ClinVar after 2014 without evidence for independent evaluation and classified the variant as likely pathogenic. Based on the evidence outlined above, the variant was classified as likely pathogenic.

Kariminejad - Najmabadi Pathology & Genetics Center
Classification: Pathogenic for Hyperinsulinemic hypoglycemia, familial, 1. Review status: criteria provided, single submitter. Criteria: ACMG Guidelines, 2015. Collection method: clinical testing. Allele origin: germline. Affected: no.

Counsyl
Classification: Likely pathogenic for Hyperinsulinemic hypoglycemia, familial, 1. Last evaluated: 2017-11-28. Review status: no assertion criteria provided. Collection method: clinical testing. Allele origin: unknown. Not counted in ClinVar's aggregate classification.

Clinical Genomics, Uppaluri K&H Personalized Medicine Clinic
Classification: Uncertain risk allele for Maturity-onset diabetes of the young. Last evaluated: 2024-05-27. Review status: flagged submission. Criteria: K And H Uppaluri Personalized Medicine Clinic Variant Classification And Assertion Criteria Updated V 2. Collection method: research. Allele origin: unknown. Not counted in ClinVar's aggregate classification.
Comment: This variant is found to be a potent moderate impact variant with a sufficient scientific evidence to support gene-disease correlation. However, since this is not a high impact variant and has no variant evidence, this variant is reclassified as Uncertain Risk Allele
ClinVar note: Reason: Outlier claim with insufficient supporting evidence

Clinical Genomics, Uppaluri K&H Personalized Medicine Clinic
Classification: Uncertain risk allele for Neonatal diabetes mellitus. Last evaluated: 2024-05-27. Review status: flagged submission. Criteria: K And H Uppaluri Personalized Medicine Clinic Variant Classification And Assertion Criteria Updated V 2. Collection method: research. Allele origin: unknown. Not counted in ClinVar's aggregate classification.
Comment: This variant is found to be a potent moderate impact, variant with a sufficient scientific evidence of gene-disease correlation. However, since this is not a high impact variant and no variant evidence, this variant is reclassified as Uncertain risk allele.
ClinVar note: Reason: Outlier claim with insufficient supporting evidence

Literature cited by the submitters: PubMed 23345197 (cited by 3 submitters); PubMed 20685672 (cited by Labcorp Genetics (formerly Invitae), Labcorp); PubMed 31216263 (cited by Clinical Genomics, Uppaluri K&H Personalized Medicine Clinic); PubMed 38095268 (cited by Clinical Genomics, Uppaluri K&H Personalized Medicine Clinic); PubMed 38513803 (cited by Clinical Genomics, Uppaluri K&H Personalized Medicine Clinic); PubMed 32376986 (cited by Clinical Genomics, Uppaluri K&H Personalized Medicine Clinic); PubMed 20922570 (cited by Clinical Genomics, Uppaluri K&H Personalized Medicine Clinic); PubMed 17389331 (cited by Clinical Genomics, Uppaluri K&H Personalized Medicine Clinic); PubMed 17919176 (cited by Clinical Genomics, Uppaluri K&H Personalized Medicine Clinic); PubMed 21738553 (cited by Clinical Genomics, Uppaluri K&H Personalized Medicine Clinic); PubMed 33013711 (cited by Clinical Genomics, Uppaluri K&H Personalized Medicine Clinic).

NM_000352.6(ABCC8):c.2202del (p.Ala736fs)

Gene: ABCC8 (ATP binding cassette subfamily C member 8; minus strand). Cytogenetic location: 11p15.1.
Variant type: Deletion.
Coding change: c.2202del on transcript NM_000352.6 (MANE Select); coding-DNA position 2202, one base deleted (A; older notation c.2202delA).
Protein change: p.Ala736fs; shifts the reading frame from alanine 736.
Molecular consequence: frameshift variant. On other transcripts: non-coding transcript variant (1).
Genome position (GRCh38, 1-based): chr11:17,427,069, T deleted on the plus strand (A on the coding strand, the reverse complement: ABCC8 is on the minus strand). VCF-style (leftmost placement, unchanged base first): chr11-17427068-CT-C. GRCh37 (hg19) VCF-style: chr11-17448615-CT-C.
Other names: c.2202delA (NM_000352.3, NM_000352.6); c.2202del, p.Ala736fs (NM_001287174.3); c.2268del, p.Ala758fs (NM_001351295.2); c.2199del, p.Ala735fs (NM_001351296.2, NM_001351297.2); short protein forms A758fs, A735fs, A736fs.
Identifiers: ClinVar variation 555310 (VCV000555310.19), dbSNP rs1554924035, ClinGen allele CA658822182.